The following is an entry in ClinVar:

NM_003872.3(NRP2):c.2425+9584A>G

Gene: NRP2 (neuropilin 2; plus strand). Cytogenetic location: 2q33.3.
Variant type: single nucleotide variant.
Coding change: c.2425+9584A>G on transcript NM_003872.3 (MANE Select); 9584 bases into the intron after coding-DNA position 2425, A replaced by G.
Molecular consequence: intron variant. On other transcripts: missense variant (2).
Genome position (GRCh38, 1-based): chr2:205,776,387, A>G. VCF-style: chr2-205776387-A-G. GRCh37 (hg19) VCF-style: chr2-206641111-A-G.
Other names: c.2582A>G, p.Tyr861Cys (NM_018534.4); c.2567A>G, p.Tyr856Cys (NM_201267.2); c.2440+9569A>G (NM_201266.2); c.2425+9584A>G (NM_201279.2); short protein forms Y856C, Y861C.
Identifiers: ClinVar variation 2629184 (VCV002629184.1), dbSNP rs1438791902, ClinGen allele CA350145178.

ClinVar aggregate classification (germline): Uncertain significance (1 of 4 stars; one submission).

Conditions:
NRP2-related disorder. Also called: NRP2-related condition.

Allele frequency attached by ClinVar (database versions not stated): TOPMed below 0.00001; gnomAD exomes 0.00001.
gnomAD v4.1: 10 of 1,613,402 alleles (0.00062%); highest among the groups gnomAD compares: African/African-American, 0.0013%; no homozygotes.

Submission:

PreventionGenetics, part of Exact Sciences
Classification: Uncertain significance for NRP2-related condition. Last evaluated: 2022-12-28. Review status: criteria provided, single submitter. Criteria: ACMG Guidelines, 2015. Collection method: clinical testing. Allele origin: germline.
Comment: The NRP2 c.2567A>G variant is predicted to result in the amino acid substitution p.Tyr856Cys. To our knowledge, this variant has not been reported in the literature or in a large population database, indicating this variant is rare. At this time, the clinical significance of this variant is uncertain due to the absence of conclusive functional and genetic evidence.